The following is an entry in ClinVar:

ClinVar aggregate classification (germline): Uncertain significance. Review status: criteria provided, multiple submitters, no conflicts (2 of 4 stars). 2 submissions from 2 submitters: Uncertain significance (2). Last evaluated 2025-10-23.

Conditions:
Birt-Hogg-Dube syndrome. Also called: Birt Hogg Dubé syndrome. Identifiers: Orphanet 122, MedGen C0346010, MONDO:0800444.
Hereditary cancer-predisposing syndrome. Also called: Hereditary neoplastic syndrome; Neoplastic Syndromes, Hereditary; Hereditary Cancer Syndrome; Tumor predisposition. Identifiers: Orphanet 140162, MedGen C0027672, MeSH D009386, MONDO:0015356.

Submissions (2):

Labcorp Genetics (formerly Invitae), Labcorp
Classification: Uncertain significance for Birt-Hogg-Dube syndrome. Last evaluated: 2025-10-23. Review status: criteria provided, single submitter. Criteria: Invitae Variant Classification Sherloc (09022015). Collection method: clinical testing. Allele origin: germline.
Comment: This sequence change replaces cysteine, which is neutral and slightly polar, with arginine, which is basic and polar, at codon 415 of the FLCN protein (p.Cys415Arg). This variant is not present in population databases (gnomAD no frequency). This variant has not been reported in the literature in individuals affected with FLCN-related conditions. ClinVar contains an entry for this variant (Variation ID: 574519). Invitae Evidence Modeling of protein sequence and biophysical properties (such as structural, functional, and spatial information, amino acid conservation, physicochemical variation, residue mobility, and thermodynamic stability) indicates that this missense variant is expected to disrupt FLCN protein function with a positive predictive value of 80%. In summary, the available evidence is currently insufficient to determine the role of this variant in disease. Therefore, it has been classified as a Variant of Uncertain Significance.

Ambry Genetics
Classification: Uncertain significance for Hereditary cancer-predisposing syndrome. Last evaluated: 2024-11-05. Review status: criteria provided, single submitter. Criteria: Ambry Variant Classification Scheme 2023. Collection method: clinical testing. Allele origin: germline.
Comment: The p.C415R variant (also known as c.1243T>C), located in coding exon 8 of the FLCN gene, results from a T to C substitution at nucleotide position 1243. The cysteine at codon 415 is replaced by arginine, an amino acid with highly dissimilar properties. This amino acid position is conserved. In addition, this alteration is predicted to be deleterious by in silico analysis. Based on the available evidence, the clinical significance of this variant remains unclear.

NM_144997.7(FLCN):c.1243T>C (p.Cys415Arg)

Gene: FLCN (folliculin; minus strand). Cytogenetic location: 17p11.2.
Variant type: single nucleotide variant.
Coding change: c.1243T>C on transcript NM_144997.7 (MANE Select); coding-DNA position 1243, T replaced by C.
Protein change: p.Cys415Arg; replaces cysteine 415 with arginine.
Molecular consequence: missense variant.
Genome position (GRCh38, 1-based): chr17:17,216,437, A>G on the plus strand (T>C on the coding strand, the complement: FLCN is on the minus strand). VCF-style: chr17-17216437-A-G. GRCh37 (hg19) VCF-style: chr17-17119751-A-G.
Other names: c.1297T>C, p.Cys433Arg (NM_001353229.2); c.1243T>C, p.Cys415Arg (NM_001353230.2, NM_001353231.2); c.1243T>C (LRG_325t1); short protein forms C415R, C433R.
Identifiers: ClinVar variation 574519 (VCV000574519.9), dbSNP rs1567809578, ClinGen allele CA398531776.
Genomic context (GRCh38, chr17:17,216,437, plus strand): 5'-CACCTGAGGAGAGCACGTGGGGGGGGATCTGCACGTGCGGGCTGAGCCCCAGGAAGTTGC[A>G]CCGATAGGCCTCCTCGTACTGGCTGCTGTATGGGATGATGCGGACGCAGCCCACGGGAAG-3'
Protein context (NP_659434.2, residues 405-425): YSSQYEEAYR[Cys415Arg]NFLGLSPHVQ